The following is an entry in ClinVar:

NM_001365999.1(SZT2):c.7865C>T (p.Thr2622Ile)

Gene: SZT2 (SZT2 subunit of KICSTOR complex; plus strand). Cytogenetic location: 1p34.2.
Variant type: single nucleotide variant.
Coding change: c.7865C>T on transcript NM_001365999.1 (MANE Select); coding-DNA position 7865, C replaced by T.
Protein change: p.Thr2622Ile; replaces threonine 2622 with isoleucine.
Molecular consequence: missense variant.
Genome position (GRCh38, 1-based): chr1:43,442,122, C>T. VCF-style: chr1-43442122-C-T. GRCh37 (hg19) VCF-style: chr1-43907793-C-T.
Other names: c.7694C>T, p.Thr2565Ile (NM_015284.4); short protein forms T2565I, T2622I.
Identifiers: ClinVar variation 2110830 (VCV002110830.4), dbSNP rs2545852127, ClinGen allele CA340036415.

ClinVar aggregate classification (germline): Uncertain significance (1 of 4 stars; one submission).

Submission:

Labcorp Genetics (formerly Invitae), Labcorp
Classification: Uncertain significance. Last evaluated: 2022-03-13. Review status: criteria provided, single submitter. Criteria: Invitae Variant Classification Sherloc (09022015). Collection method: clinical testing. Allele origin: germline.
Comment: This sequence change replaces threonine, which is neutral and polar, with isoleucine, which is neutral and non-polar, at codon 2565 of the SZT2 protein (p.Thr2565Ile). This variant is not present in population databases (gnomAD no frequency). In summary, the available evidence is currently insufficient to determine the role of this variant in disease. Therefore, it has been classified as a Variant of Uncertain Significance. Algorithms developed to predict the effect of missense changes on protein structure and function output the following: SIFT: "Deleterious"; PolyPhen-2: "Probably Damaging"; Align-GVGD: "Class C65". The isoleucine amino acid residue is found in multiple mammalian species, which suggests that this missense change does not adversely affect protein function. This variant has not been reported in the literature in individuals affected with SZT2-related conditions.